The following is an entry in ClinVar:

NM_024757.5(EHMT1):c.2385G>A (p.Ala795=)

Gene: EHMT1 (euchromatic histone lysine methyltransferase 1; plus strand). Cytogenetic location: 9q34.3.
Variant type: single nucleotide variant.
Coding change: c.2385G>A on transcript NM_024757.5 (MANE Select); coding-DNA position 2385, G replaced by A.
Protein change: p.Ala795=; no amino-acid change (alanine 795 retained).
Molecular consequence: synonymous variant.
Genome position (GRCh38, 1-based): chr9:137,790,850, G>A. VCF-style: chr9-137790850-G-A. GRCh37 (hg19) VCF-style: chr9-140685302-G-A.
Other names: c.2292G>A, p.Ala764= (NM_001354259.2); c.2364G>A, p.Ala788= (NM_001354263.2).
Identifiers: ClinVar variation 957695 (VCV000957695.12), dbSNP rs1425514936, ClinGen allele CA467877348.
Genomic context (GRCh38, chr9:137,790,850, plus strand): 5'-CCCCAGGCGGTGGCTACCGTCACAGCCCTCCCATACACCTGAACTGTTGTTTCACTAGGC[G>A]GGCGCTAATATTGACACCTGCTCAGAAGACCAGAGGACCCCGTTGATGGAAGCAGCCGAA-3'
Protein context (NP_079033.4, residues 785-805): HVDICHMLVQ[Ala795=]GANIDTCSED

ClinVar aggregate classification (germline): Conflicting classifications of pathogenicity. Review status: criteria provided, conflicting classifications (1 of 4 stars). 2 submissions from 2 submitters: Uncertain significance (1); Likely benign (1). Last evaluated 2025-11-22.

Conditions:
Inborn genetic diseases. Identifiers: MedGen C0950123, MeSH D030342.
Kleefstra syndrome 1 (KLEFS1). Identifiers: Orphanet 261494, MedGen C0795833, MONDO:0027407, OMIM 610253.

Allele frequency attached by ClinVar (database versions not stated): TOPMed below 0.00001; gnomAD 0.00001.
gnomAD v4.1: 1 of 1,613,992 alleles (0.000062%); highest among the groups gnomAD compares: Non-Finnish European, 0.000085%; no homozygotes.

Submissions (2):

Labcorp Genetics (formerly Invitae), Labcorp
Classification: Uncertain significance for Kleefstra syndrome 1. Last evaluated: 2025-11-22. Review status: criteria provided, single submitter. Criteria: Invitae Variant Classification Sherloc (09022015). Collection method: clinical testing. Allele origin: germline.
Comment: This sequence change affects codon 795 of the EHMT1 mRNA. It is a 'silent' change, meaning that it does not change the encoded amino acid sequence of the EHMT1 protein. This variant is not present in population databases (gnomAD no frequency). This variant has not been reported in the literature in individuals affected with EHMT1-related conditions. ClinVar contains an entry for this variant (Variation ID: 957695). Algorithms developed to predict the effect of sequence changes on RNA splicing suggest that this variant may create or strengthen a splice site. In summary, the available evidence is currently insufficient to determine the role of this variant in disease. Therefore, it has been classified as a Variant of Uncertain Significance.

Ambry Genetics
Classification: Likely benign for Inborn genetic diseases. Last evaluated: 2017-09-26. Review status: criteria provided, single submitter. Criteria: Ambry Variant Classification Scheme 2023. Collection method: clinical testing. Allele origin: germline.